The following is an entry in ClinVar:

NM_014714.4(IFT140):c.1724T>A (p.Leu575Gln)

Gene: IFT140 (intraflagellar transport 140; minus strand). Cytogenetic location: 16p13.3.
Variant type: single nucleotide variant.
Coding change: c.1724T>A on transcript NM_014714.4 (MANE Select); coding-DNA position 1724, T replaced by A.
Protein change: p.Leu575Gln; replaces leucine 575 with glutamine.
Molecular consequence: missense variant.
Genome position (GRCh38, 1-based): chr16:1,568,263, A>T on the plus strand (T>A on the coding strand, the complement: IFT140 is on the minus strand). VCF-style: chr16-1568263-A-T. GRCh37 (hg19) VCF-style: chr16-1618264-A-T.
Other names: c.1724T>A (NM_014714.3); short protein forms L575Q.
Identifiers: ClinVar variation 3578526 (VCV003578526.2).
Genomic context (GRCh38, chr16:1,568,263, plus strand): 5'-AGGGGTGGCCTCACCTTGCTGGGGAGGATGCTGATGGTGCTCCCGCTGCTGCTGCACCGC[A>T]GAGAAGCGATGCCCCCCACCCCAGGGACCAGCTCCGCCAGGCTCCTGCAGCTACAGTGTG-3'
Protein context (NP_055529.2, residues 565-585): LVPGVGGIAS[Leu575Gln]RCSSSGSTIS

ClinVar aggregate classification (germline): Uncertain significance. Review status: criteria provided, multiple submitters, no conflicts (2 of 4 stars). 2 submissions from 2 submitters: Uncertain significance (2). Last evaluated 2026-05-24.

Conditions:
IFT140-related disorder. Also called: IFT140-related condition.
Retinitis pigmentosa 80 (RP80). Identifiers: MedGen C4540439, MONDO:0054708, OMIM 617781.
Saldino-Mainzer syndrome (SRTD9). Also called: CONORENAL SYNDROME; Renal dysplasia, retinal pigmentary dystrophy, cerebellar ataxia and skeletal dysplasia; SHORT-RIB THORACIC DYSPLASIA 9 WITHOUT POLYDACTYLY; short-rib thoracic dysplasia 9 with or without polydactyly. Identifiers: Orphanet 140969, MedGen C1849437, MONDO:0009964, OMIM 266920.

gnomAD v4.1: 10 of 1,612,900 alleles (0.00062%); highest among the groups gnomAD compares: African/African-American, 0.0013%; no homozygotes.

Submissions (2):

PreventionGenetics, part of Exact Sciences
Classification: Uncertain significance for IFT140-related condition. Last evaluated: 2026-05-24. Review status: criteria provided, single submitter. Criteria: ACMG Guidelines, 2015. Collection method: clinical testing. Allele origin: germline.
Comment: The IFT140 c.1724T>A variant is predicted to result in the amino acid substitution p.Leu575Gln. This variant has been reported with another missense variant in the gene in an individual with pediatric thoracic insufficiency (Supplementary table 4, Strong et al. 2023. PubMed ID: 36653407). This variant is reported in 0.0063% of alleles in individuals of African descent in gnomAD. At this time, the clinical significance of this variant is uncertain due to the absence of conclusive functional and genetic evidence.

Fulgent Genetics
Classification: Uncertain significance for Saldino-Mainzer syndrome; Retinitis pigmentosa 80. Last evaluated: 2024-05-17. Review status: criteria provided, single submitter. Criteria: ACMG Guidelines, 2015. Collection method: clinical testing. Allele origin: germline.